The following is an entry in ClinVar:

NM_182961.4(SYNE1):c.10443+4C>T

Gene: SYNE1 (spectrin repeat containing nuclear envelope protein 1; minus strand). Cytogenetic location: 6q25.2.
Variant type: single nucleotide variant.
Coding change: c.10443+4C>T on transcript NM_182961.4 (MANE Select); 4 bases into the intron after coding-DNA position 10443, C replaced by T.
Molecular consequence: intron variant.
Genome position (GRCh38, 1-based): chr6:152,359,311, G>A on the plus strand (C>T on the coding strand, the complement: SYNE1 is on the minus strand). VCF-style: chr6-152359311-G-A. GRCh37 (hg19) VCF-style: chr6-152680446-G-A.
Other names: c.10464+4C>T (NM_033071.5).
Identifiers: ClinVar variation 3025423 (VCV003025423.22), dbSNP rs367813150, ClinGen allele CA4056963.

ClinVar aggregate classification (germline): Uncertain significance (1 of 4 stars; one submission).

Allele frequency attached by ClinVar (database versions not stated): gnomAD 0.00001; TOPMed 0.00003; ExAC 0.00004; ESP Exome Variant Server 0.00008.

Submission:

CeGaT Center for Human Genetics Tuebingen
Classification: Uncertain significance. Last evaluated: 2024-02-01. Review status: criteria provided, single submitter. Criteria: CeGaT Center For Human Genetics Tuebingen Variant Classification Criteria Version 2. Collection method: clinical testing. Allele origin: germline. Affected: yes. Observed: 1 variant allele.
Comment: SYNE1: PM2, BP4